The following is an entry in ClinVar:

ClinVar aggregate classification (germline): Uncertain significance. Review status: criteria provided, multiple submitters, no conflicts (2 of 4 stars). 2 submissions from 2 submitters: Uncertain significance (2). Last evaluated 2024-10-30.

Conditions:
TTC21B-related disorder. Also called: TTC21B-related condition; TTC21B-related disorders.
Jeune thoracic dystrophy. Also called: Short-rib thoracic dysplasia; Jeune syndrome; Infantile thoracic dystrophy; Thoracic pelvic phalangeal dystrophy; Jeune's syndrome; Chondroectodermal dysplasia-like syndrome. Identifiers: Orphanet 474, MedGen C0265275, MONDO:0018770.
Nephronophthisis. Also called: Juvenile Nephronophthisis. Identifiers: Orphanet 655, MedGen C0687120, MONDO:0019005, HP:0000090.

Submissions (2):

PreventionGenetics, part of Exact Sciences
Classification: Uncertain significance for TTC21B-related condition. Last evaluated: 2024-10-30. Review status: criteria provided, single submitter. Criteria: ACMG Guidelines, 2015. Collection method: clinical testing. Allele origin: germline.
Comment: The TTC21B c.1083A>G variant is not predicted to result in an amino acid change (p.=). This variant is predicted to result in the gain of a cryptic donor splice site (SpliceAI, Jaganathan et al. 2019. PubMed ID: 30661751). To our knowledge, this variant has not been reported in the literature or in a large population database (gnomAD), indicating this variant is rare. At this time, the clinical significance of this variant is uncertain due to the absence of conclusive functional and genetic evidence.

Labcorp Genetics (formerly Invitae), Labcorp
Classification: Uncertain significance for Jeune thoracic dystrophy; Nephronophthisis. Last evaluated: 2022-04-10. Review status: criteria provided, single submitter. Criteria: Invitae Variant Classification Sherloc (09022015). Collection method: clinical testing. Allele origin: germline.
Comment: This sequence change affects codon 361 of the TTC21B mRNA. It is a 'silent' change, meaning that it does not change the encoded amino acid sequence of the TTC21B protein. This variant is not present in population databases (gnomAD no frequency). This variant has not been reported in the literature in individuals affected with TTC21B-related conditions. Algorithms developed to predict the effect of sequence changes on RNA splicing suggest that this variant may create or strengthen a splice site. In summary, the available evidence is currently insufficient to determine the role of this variant in disease. Therefore, it has been classified as a Variant of Uncertain Significance.

NM_024753.5(TTC21B):c.1083A>G (p.Leu361=)

Gene: TTC21B (tetratricopeptide repeat domain 21B; minus strand). Cytogenetic location: 2q24.3.
Variant type: single nucleotide variant.
Coding change: c.1083A>G on transcript NM_024753.5 (MANE Select); coding-DNA position 1083, A replaced by G.
Protein change: p.Leu361=; no amino-acid change (leucine 361 retained).
Molecular consequence: synonymous variant.
Genome position (GRCh38, 1-based): chr2:165,930,176, T>C on the plus strand (A>G on the coding strand, the complement: TTC21B is on the minus strand). VCF-style: chr2-165930176-T-C. GRCh37 (hg19) VCF-style: chr2-166786686-T-C.
Other names: c.1083A>G (NM_024753.4).
Identifiers: ClinVar variation 2124405 (VCV002124405.5), dbSNP rs2468212160, ClinGen allele CA429902127.
Genomic context (GRCh38, chr2:165,930,176, plus strand): 5'-AAAGCAATTGCTACTTGTATCTATATTATAAATATTTATGAAAACAGTTGTCATACCAAC[T>C]AGGGCAGACACACTAGTCTCATCAAGTGTCATGGCGGTCTTATACCACTTCAGTGCCTCT-3'
Protein context (NP_079029.3, residues 351-371): MTLDETSVSA[Leu361=]VGFIQCQLIE